The following is an entry in ClinVar:

ClinVar aggregate classification (germline): Pathogenic/Likely pathogenic. Review status: criteria provided, multiple submitters, no conflicts (2 of 4 stars). 2 submissions from 2 submitters: Pathogenic (1); Likely pathogenic (1). Last evaluated 2022-09-01.

Conditions:
Autosomal recessive nonsyndromic hearing loss 12. Also called: DEAFNESS, AUTOSOMAL RECESSIVE 12. Identifiers: Orphanet 90636, MedGen C1832394, MONDO:0011067, OMIM 601386.

Submissions (2):

3billion
Classification: Pathogenic for Autosomal recessive nonsyndromic hearing loss 12. Last evaluated: 2022-09-01. Review status: criteria provided, single submitter. Criteria: ACMG Guidelines, 2015. Collection method: clinical testing. Allele origin: germline. Affected: yes. Observed: 1 heterozygote.
Comment: The variant is not observed in the gnomAD v2.1.1 dataset. Canonical splice site is predicted to alter splicing and result in a loss or disruption of normal protein function. Multiple pathogenic loss-of-function variants are reported downstream of the variant. The variant has been reported to be associated with CDH23-related disorder (ClinVar ID: VCV000444222). Therefore, this variant is classified as Pathogenic according to the recommendation of ACMG/AMP guideline.

CeGaT Center for Human Genetics Tuebingen
Classification: Likely pathogenic. Last evaluated: 2017-05-01. Review status: criteria provided, single submitter. Criteria: CeGaT Center For Human Genetics Tuebingen Variant Classification Criteria Version 2. Collection method: clinical testing. Allele origin: germline. Affected: yes. Observed: 1 variant allele.

NM_022124.6(CDH23):c.6253+1G>A

Gene: CDH23 (cadherin related 23; plus strand). Cytogenetic location: 10q22.1.
Variant type: single nucleotide variant.
Coding change: c.6253+1G>A on transcript NM_022124.6 (MANE Select); the canonical splice donor site of the intron after coding-DNA position 6253, G replaced by A.
Molecular consequence: splice donor variant.
Genome position (GRCh38, 1-based): chr10:71,791,336, G>A. VCF-style: chr10-71791336-G-A. GRCh37 (hg19) VCF-style: chr10-73551093-G-A.
Identifiers: ClinVar variation 444222 (VCV000444222.44), dbSNP rs1554874373, ClinGen allele CA377153293.
Genomic context (GRCh38, chr10:71,791,336, plus strand): 5'-ACCGGCCCACCTTTAGCCCTGCCACCCTCACTGTCCATCTGCTAGAGAACTGCCCGCCTG[G>A]TAAGCAGGGGACAGGCCCCAGCACCCCACAACCAGGGGCCGGTTGGTGGTCACAGGGGAC-3'